The following is an entry in ClinVar:

ClinVar aggregate classification (germline): Benign. Review status: criteria provided, single submitter (1 of 4 stars). 2 submissions from 2 submitters: Benign (1). 1 of the submissions does not count toward it. Last evaluated 2026-01-13.

Conditions:
PHIP-related disorder. Also called: PHIP-related condition; PHIP-related disorders.

Allele frequency attached by ClinVar (database versions not stated): gnomAD exomes 0.00053 and 0.00148; ExAC 0.00182; 1000 Genomes Project 0.00479; 1000 Genomes Project 30x 0.00500; ESP Exome Variant Server 0.00646; TOPMed 0.00670.
gnomAD v4.1: 1,638 of 1,563,640 alleles (0.1%); highest among the groups gnomAD compares: African/African-American, 2%; 15 homozygotes.

Submissions (2):

Labcorp Genetics (formerly Invitae), Labcorp
Classification: Benign. Last evaluated: 2026-01-13. Review status: criteria provided, single submitter. Criteria: Invitae Variant Classification Sherloc (09022015). Collection method: clinical testing. Allele origin: germline.

PreventionGenetics, part of Exact Sciences
Classification: Benign for PHIP-related condition. Last evaluated: 2022-03-16. Review status: no assertion criteria provided. Collection method: clinical testing. Allele origin: germline. Not counted in ClinVar's aggregate classification.
Comment: This variant is classified as benign based on ACMG/AMP sequence variant interpretation guidelines (Richards et al. 2015 PMID: 25741868, with internal and published modifications).

NM_017934.7(PHIP):c.1235+9T>A

Gene: PHIP (PHIP subunit of CUL4-Ring ligase complex; minus strand). Cytogenetic location: 6q14.1.
Variant type: single nucleotide variant.
Coding change: c.1235+9T>A on transcript NM_017934.7 (MANE Select); 9 bases into the intron after coding-DNA position 1235, T replaced by A.
Molecular consequence: intron variant.
Genome position (GRCh38, 1-based): chr6:79,016,535, A>T on the plus strand (T>A on the coding strand, the complement: PHIP is on the minus strand). VCF-style: chr6-79016535-A-T. GRCh37 (hg19) VCF-style: chr6-79726252-A-T.
Other names: c.1235+9T>A (NM_017934.6).
Identifiers: ClinVar variation 1571446 (VCV001571446.10), dbSNP rs116105306, ClinGen allele CA3900201.
Genomic context (GRCh38, chr6:79,016,535, plus strand): 5'-CACCAACCTGCACTATAACATACTTTAAAAAATCAATATATACATAATATTTCAAATTTG[A>T]CCTCTTACCCTGCTGGACGAGTAGCCATATCCAACAAAATGCTCTTCCACTCTCTTCGTT-3'